The following is an entry in ClinVar:

ClinVar aggregate classification (germline): Uncertain significance (1 of 4 stars; one submission).

Allele frequency attached by ClinVar (database versions not stated): ExAC 0.00002; gnomAD exomes 0.00002; TOPMed 0.00003; gnomAD 0.00004.
gnomAD v4.1: 35 of 1,613,546 alleles (0.0022%); highest among the groups gnomAD compares: South Asian, 0.018%; 1 homozygote.

Submission:

Labcorp Genetics (formerly Invitae), Labcorp
Classification: Uncertain significance. Last evaluated: 2024-05-11. Review status: criteria provided, single submitter. Criteria: Invitae Variant Classification Sherloc (09022015). Collection method: clinical testing. Allele origin: germline.
Comment: This sequence change replaces arginine, which is basic and polar, with histidine, which is basic and polar, at codon 265 of the ANKZF1 protein (p.Arg265His). This variant is present in population databases (rs762023095, gnomAD 0.02%). This variant has not been reported in the literature in individuals affected with ANKZF1-related conditions. An algorithm developed to predict the effect of missense changes on protein structure and function (PolyPhen-2) suggests that this variant is likely to be disruptive. In summary, the available evidence is currently insufficient to determine the role of this variant in disease. Therefore, it has been classified as a Variant of Uncertain Significance.

NM_018089.3(ANKZF1):c.794G>A (p.Arg265His)

Gene: ANKZF1 (ankyrin repeat and zinc finger peptidyl tRNA hydrolase 1; plus strand). Cytogenetic location: 2q35.
Variant type: single nucleotide variant.
Coding change: c.794G>A on transcript NM_018089.3 (MANE Select); coding-DNA position 794, G replaced by A.
Protein change: p.Arg265His; replaces arginine 265 with histidine.
Molecular consequence: missense variant.
Genome position (GRCh38, 1-based): chr2:219,233,408, G>A. VCF-style: chr2-219233408-G-A. GRCh37 (hg19) VCF-style: chr2-220098130-G-A.
Other names: c.794G>A, p.Arg265His (NM_001042410.2); c.164G>A, p.Arg55His (NM_001282792.2); short protein forms R265H, R55H.
Identifiers: ClinVar variation 2897298 (VCV002897298.3), dbSNP rs762023095, ClinGen allele CA2120860.